The following is an entry in ClinVar:

ClinVar aggregate classification (germline): Uncertain significance. Review status: criteria provided, multiple submitters, no conflicts (2 of 4 stars). 2 submissions from 2 submitters: Uncertain significance (2). Last evaluated 2025-01-22.

Conditions:
Congenital muscular dystrophy due to integrin alpha-7 deficiency. Also called: Congenital muscular dystrophy with integrin alpha-7 deficiency; Muscular dystrophy, congenital, due to ITGA7 deficiency; MYOPATHY, CONGENITAL, DUE TO INTEGRIN ALPHA-7 DEFICIENCY. Identifiers: Orphanet 34520, MedGen C2750786, MONDO:0013177, OMIM 613204.

Allele frequency attached by ClinVar (database versions not stated): ExAC 0.00001; gnomAD exomes 0.00002.
gnomAD v4.1: 30 of 1,613,308 alleles (0.0019%); highest among the groups gnomAD compares: South Asian, 0.0033%; no homozygotes.

Submissions (2):

Ambry Genetics
Classification: Uncertain significance. Last evaluated: 2025-01-22. Review status: criteria provided, single submitter. Criteria: Ambry Variant Classification Scheme 2023. Collection method: clinical testing. Allele origin: germline.

Labcorp Genetics (formerly Invitae), Labcorp
Classification: Uncertain significance for Congenital muscular dystrophy due to integrin alpha-7 deficiency. Last evaluated: 2022-04-12. Review status: criteria provided, single submitter. Criteria: Invitae Variant Classification Sherloc (09022015). Collection method: clinical testing. Allele origin: germline.
Comment: This sequence change replaces arginine, which is basic and polar, with tryptophan, which is neutral and slightly polar, at codon 727 of the ITGA7 protein (p.Arg727Trp). This variant is present in population databases (rs755674131, gnomAD 0.003%). This variant has not been reported in the literature in individuals affected with ITGA7-related conditions. Algorithms developed to predict the effect of missense changes on protein structure and function are either unavailable or do not agree on the potential impact of this missense change (SIFT: "Deleterious"; PolyPhen-2: "Probably Damaging"; Align-GVGD: "Class C0"). In summary, the available evidence is currently insufficient to determine the role of this variant in disease. Therefore, it has been classified as a Variant of Uncertain Significance.

NM_002206.3(ITGA7):c.2179C>T (p.Arg727Trp)

Genes: ITGA7 (integrin subunit alpha 7; minus strand), LOC126861535 (CDK7 strongly-dependent group 2 enhancer GRCh37_chr12:56087579-56088778; plus strand). Cytogenetic location: 12q13.2.
Variant type: single nucleotide variant.
Coding change: c.2179C>T on transcript NM_002206.3 (MANE Select); coding-DNA position 2179, C replaced by T.
Protein change: p.Arg727Trp; replaces arginine 727 with tryptophan.
Molecular consequence: missense variant.
Genome position (GRCh38, 1-based): chr12:55,694,795, G>A on the plus strand (C>T on the coding strand, the complement: ITGA7 is on the minus strand). VCF-style: chr12-55694795-G-A. GRCh37 (hg19) VCF-style: chr12-56088579-G-A.
Other names: c.2191C>T, p.Arg731Trp (NM_001144996.2); c.1900C>T, p.Arg634Trp (NM_001144997.2); c.1852C>T, p.Arg618Trp (NM_001367993.1); c.835C>T, p.Arg279Trp (NM_001367994.1); c.2161C>T, p.Arg721Trp (NM_001374465.1); c.2311C>T, p.Arg771Trp (NM_001410977.1); c.2173C>T, p.Arg725Trp (NM_001414029.1); c.2104C>T, p.Arg702Trp (NM_001414030.1); and 5 more; short protein forms R618W, R666W, R687W, R725W, R731W, R279W, R698W, R721W.
Identifiers: ClinVar variation 2167728 (VCV002167728.2), dbSNP rs755674131, ClinGen allele CA6615725.